The following is an entry in ClinVar:

ClinVar aggregate classification (germline): Uncertain significance (1 of 4 stars; one submission).

gnomAD v4.1: 3 of 1,607,152 alleles (0.00019%); highest among the groups gnomAD compares: African/African-American, 0.0013%; no homozygotes.

Submission:

Labcorp Genetics (formerly Invitae), Labcorp
Classification: Uncertain significance. Last evaluated: 2025-10-09. Review status: criteria provided, single submitter. Criteria: Invitae Variant Classification Sherloc (09022015). Collection method: clinical testing. Allele origin: germline.
Comment: This sequence change replaces leucine, which is neutral and non-polar, with methionine, which is neutral and non-polar, at codon 554 of the AHDC1 protein (p.Leu554Met). This variant is not present in population databases (gnomAD no frequency). This variant has not been reported in the literature in individuals affected with AHDC1-related conditions. An algorithm developed to predict the effect of missense changes on protein structure and function (PolyPhen-2) suggests that this variant is likely to be disruptive. In summary, the available evidence is currently insufficient to determine the role of this variant in disease. Therefore, it has been classified as a Variant of Uncertain Significance.

NM_001371928.1(AHDC1):c.1660C>A (p.Leu554Met)

Gene: AHDC1 (AT-hook DNA binding motif containing 1; minus strand). Cytogenetic location: 1p36.11.
Variant type: single nucleotide variant.
Coding change: c.1660C>A on transcript NM_001371928.1 (MANE Select); coding-DNA position 1660, C replaced by A.
Protein change: p.Leu554Met; replaces leucine 554 with methionine.
Molecular consequence: missense variant.
Genome position (GRCh38, 1-based): chr1:27,550,456, G>T on the plus strand (C>A on the coding strand, the complement: AHDC1 is on the minus strand). VCF-style: chr1-27550456-G-T. GRCh37 (hg19) VCF-style: chr1-27876967-G-T.
Other names: c.1660C>A, p.Leu554Met (NM_001029882.3); short protein forms L554M.
Identifiers: ClinVar variation 4749726 (VCV004749726.1).
Genomic context (GRCh38, chr1:27,550,456, plus strand): 5'-CAGTGGCTGCCTCGGCCGCCACCACAGCTGGCTCCTTGGGCTTGCCGGGACCCAGCAGCA[G>T]GTTCTTAGGAGGGCGGCCGCGCTTACGTTTGAGAATAATGGGCATCTCACCGGGTGGGAA-3'
Protein context (NP_001358857.1, residues 544-564): KRKRGRPPKN[Leu554Met]LLGPGKPKEP